The following is an entry in ClinVar:

ClinVar aggregate classification (germline): Likely benign (1 of 4 stars; one submission).

Allele frequency attached by ClinVar (database versions not stated): TOPMed 0.00003; gnomAD 0.00005; gnomAD exomes 0.00005; ExAC 0.00006; ESP Exome Variant Server 0.00015.
gnomAD v4.1: 71 of 1,561,378 alleles (0.0045%); highest among the groups gnomAD compares: Non-Finnish European, 0.0033%; no homozygotes.

Submission:

CeGaT Center for Human Genetics Tuebingen
Classification: Likely benign. Last evaluated: 2022-12-01. Review status: criteria provided, single submitter. Criteria: CeGaT Center For Human Genetics Tuebingen Variant Classification Criteria Version 2. Collection method: clinical testing. Allele origin: germline. Affected: yes. Observed: 1 variant allele.
Comment: PHC2: BP4, BP7

NM_001385109.1(PHC2):c.978C>T (p.Ala326=)

Genes: PHC2 (polyhomeotic homolog 2; minus strand), PHC2-AS1 (PHC2 antisense RNA 1; plus strand). Cytogenetic location: 1p35.1.
Variant type: single nucleotide variant.
Coding change: c.978C>T on transcript NM_001385109.1 (MANE Select); coding-DNA position 978, C replaced by T.
Protein change: p.Ala326=; no amino-acid change (alanine 326 retained).
Molecular consequence: synonymous variant. On other transcripts: intron variant (1).
Genome position (GRCh38, 1-based): chr1:33,355,252, G>A on the plus strand (C>T on the coding strand, the complement: PHC2 is on the minus strand). VCF-style: chr1-33355252-G-A. GRCh37 (hg19) VCF-style: chr1-33820853-G-A.
Other names: c.891C>T, p.Ala297= (NM_001330488.2, NM_001385122.1); c.1044C>T, p.Ala348= (NM_001385112.1); c.978C>T, p.Ala326= (NM_001385119.1, NM_001385120.1, NM_198040.3); c.972C>T, p.Ala324= (NM_001385121.1); c.334-82C>T (NM_001385123.1).
Identifiers: ClinVar variation 2638621 (VCV002638621.24), dbSNP rs368679830, ClinGen allele CA749439.